The following is an entry in ClinVar:

ClinVar aggregate classification (germline): Likely benign (1 of 4 stars; one submission).

Allele frequency attached by ClinVar (database versions not stated): TOPMed below 0.00001; gnomAD exomes 0.00001.
gnomAD v4.1: 8 of 1,208,438 alleles (0.00066%); highest among the groups gnomAD compares: Middle Eastern, 0.023%; no homozygotes.

Submission:

CeGaT Center for Human Genetics Tuebingen
Classification: Likely benign. Last evaluated: 2023-12-01. Review status: criteria provided, single submitter. Criteria: CeGaT Center For Human Genetics Tuebingen Variant Classification Criteria Version 2. Collection method: clinical testing. Allele origin: germline. Affected: yes. Observed: 1 variant allele.
Comment: DIAPH2: BP4

NM_006729.5(DIAPH2):c.2962A>G (p.Ile988Val)

Gene: DIAPH2 (diaphanous related formin 2; plus strand). Cytogenetic location: Xq21.33.
Variant type: single nucleotide variant.
Coding change: c.2962A>G on transcript NM_006729.5 (MANE Select); coding-DNA position 2962, A replaced by G.
Protein change: p.Ile988Val; replaces isoleucine 988 with valine.
Molecular consequence: missense variant.
Genome position (GRCh38, 1-based): chrX:97,348,233, A>G. VCF-style: chrX-97348233-A-G. GRCh37 (hg19) VCF-style: chrX-96603232-A-G.
Other names: c.2962A>G, p.Ile988Val (NM_007309.4); short protein forms I988V.
Identifiers: ClinVar variation 3025461 (VCV003025461.22), dbSNP rs1176175886, ClinGen allele CA413997625.